The following is an entry in ClinVar:

NM_015599.3(PGM3):c.1510G>T (p.Val504Phe)

Genes: DOP1A (DOP1 leucine zipper like protein A; plus strand), PGM3 (phosphoglucomutase 3; minus strand). Cytogenetic location: 6q14.1.
Variant type: single nucleotide variant.
Coding change: c.1510G>T on transcript NM_015599.3 (MANE Select); coding-DNA position 1510, G replaced by T.
Protein change: p.Val504Phe; replaces valine 504 with phenylalanine.
Molecular consequence: missense variant. On other transcripts: non-coding transcript variant (1).
Genome position (GRCh38, 1-based): chr6:83,170,334, C>A on the plus strand (G>T on the coding strand, the complement: PGM3 is on the minus strand). VCF-style: chr6-83170334-C-A. GRCh37 (hg19) VCF-style: chr6-83880053-C-A.
Other names: c.1594G>T, p.Val532Phe (NM_001199917.2, NM_001367287.1); c.1267G>T, p.Val423Phe (NM_001199918.2); c.1510G>T, p.Val504Phe (NM_001199919.2); c.1387G>T, p.Val463Phe (NM_001367286.1); short protein forms V532F, V504F, V463F, V423F.
Identifiers: ClinVar variation 423202 (VCV000423202.3), dbSNP rs529906310, ClinGen allele CA16618334.

ClinVar aggregate classification (germline): Uncertain significance (1 of 4 stars; one submission).

gnomAD v4.1: 2 of 1,614,140 alleles (0.00012%); highest among the groups gnomAD compares: Middle Eastern, 0.033%; no homozygotes.

Submission:

GeneDx
Classification: Uncertain significance. Last evaluated: 2024-11-13. Review status: criteria provided, single submitter. Criteria: GeneDx Variant Classification Process June 2021. Collection method: clinical testing. Allele origin: germline. Affected: yes.
Comment: Not observed at significant frequency in large population cohorts (gnomAD); In silico analysis supports that this missense variant has a deleterious effect on protein structure/function; Has not been previously published as pathogenic or benign to our knowledge